The following is an entry in ClinVar:

ClinVar aggregate classification (germline): Uncertain significance. Review status: criteria provided, multiple submitters, no conflicts (2 of 4 stars). 2 submissions from 2 submitters: Uncertain significance (2). Last evaluated 2024-08-04.

Conditions:
Cutis laxa, autosomal dominant 3 (ADCL3). Identifiers: Orphanet 90348, MedGen C4225268, MONDO:0014706, OMIM 616603.
Autosomal dominant spastic paraplegia type 9. Identifiers: MedGen C1832669, MONDO:0015091.
de Barsy syndrome. Also called: Cutis laxa-corneal clouding-oligophrenia syndrome. Identifiers: Orphanet 2962, MedGen C0268354, MONDO:0017569.

Submissions (2):

Dasa
Classification: Uncertain significance. Last evaluated: 2024-08-04. Review status: criteria provided, single submitter. Criteria: DASA Assertion Criteria. Collection method: clinical testing. Allele origin: germline.
Comment: NM_002860.4(ALDH18A1):c.256G>A (p.Asp86Asn) is a missense variant that results in the substitution of aspartic acid with asparagine. This variant is absent from population databases. The currently available literature and clinical evidence are not sufficient to establish a definitive association between this variant and the reported condition. Therefore, this variant is classified as a variant of uncertain significance.

Labcorp Genetics (formerly Invitae), Labcorp
Classification: Uncertain significance for Autosomal dominant spastic paraplegia type 9; de Barsy syndrome; Cutis laxa, autosomal dominant 3. Last evaluated: 2022-04-13. Review status: criteria provided, single submitter. Criteria: Invitae Variant Classification Sherloc (09022015). Collection method: clinical testing. Allele origin: germline.
Comment: In summary, the available evidence is currently insufficient to determine the role of this variant in disease. Therefore, it has been classified as a Variant of Uncertain Significance. This sequence change replaces aspartic acid, which is acidic and polar, with asparagine, which is neutral and polar, at codon 86 of the ALDH18A1 protein (p.Asp86Asn). This variant is not present in population databases (gnomAD no frequency). This variant has not been reported in the literature in individuals affected with ALDH18A1-related conditions. Algorithms developed to predict the effect of missense changes on protein structure and function are either unavailable or do not agree on the potential impact of this missense change (SIFT: "Deleterious"; PolyPhen-2: "Probably Damaging"; Align-GVGD: "Class C0").

NM_002860.4(ALDH18A1):c.256G>A (p.Asp86Asn)

Gene: ALDH18A1 (aldehyde dehydrogenase 18 family member A1; minus strand). Cytogenetic location: 10q24.1.
Variant type: single nucleotide variant.
Coding change: c.256G>A on transcript NM_002860.4 (MANE Select); coding-DNA position 256, G replaced by A.
Protein change: p.Asp86Asn; replaces aspartic acid 86 with asparagine.
Molecular consequence: missense variant. On other transcripts: intron variant (4).
Genome position (GRCh38, 1-based): chr10:95,643,039, C>T on the plus strand (G>A on the coding strand, the complement: ALDH18A1 is on the minus strand). VCF-style: chr10-95643039-C-T. GRCh37 (hg19) VCF-style: chr10-97402796-C-T.
Other names: c.256G>A, p.Asp86Asn (NM_001017423.2, NM_001323413.2, NM_001323414.2 and 2 more transcripts); c.-78-9390G>A (NM_001323419.2); c.-30-5603G>A (NM_001323412.2, NM_001323418.2, NM_001323416.2); short protein forms D86N.
Identifiers: ClinVar variation 2126076 (VCV002126076.6), dbSNP rs2526935492, ClinGen allele CA377707694.